The following is an entry in ClinVar:

NM_014254.3(RXYLT1):c.833A>G (p.Glu278Gly)

Gene: RXYLT1 (ribitol xylosyltransferase 1; plus strand). Cytogenetic location: 12q14.2.
Variant type: single nucleotide variant.
Coding change: c.833A>G on transcript NM_014254.3 (MANE Select); coding-DNA position 833, A replaced by G.
Protein change: p.Glu278Gly; replaces glutamic acid 278 with glycine.
Molecular consequence: missense variant.
Genome position (GRCh38, 1-based): chr12:63,805,323, A>G. VCF-style: chr12-63805323-A-G. GRCh37 (hg19) VCF-style: chr12-64199103-A-G.
Other names: c.53A>G, p.Glu18Gly (NM_001278237.2); short protein forms E18G, E278G.
Identifiers: ClinVar variation 2051681 (VCV002051681.1), dbSNP rs2500526525, ClinGen allele CA385659568.

ClinVar aggregate classification (germline): Uncertain significance (1 of 4 stars; one submission).

gnomAD v4.1: 1 of 1,613,570 alleles (0.000062%); no homozygotes.

Submission:

Labcorp Genetics (formerly Invitae), Labcorp
Classification: Uncertain significance. Last evaluated: 2022-07-04. Review status: criteria provided, single submitter. Criteria: Invitae Variant Classification Sherloc (09022015). Collection method: clinical testing. Allele origin: germline.
Comment: This sequence change replaces glutamic acid, which is acidic and polar, with glycine, which is neutral and non-polar, at codon 278 of the RXYLT1 protein (p.Glu278Gly). This variant is not present in population databases (gnomAD no frequency). This variant has not been reported in the literature in individuals affected with RXYLT1-related conditions. Algorithms developed to predict the effect of missense changes on protein structure and function are either unavailable or do not agree on the potential impact of this missense change (SIFT: "Deleterious"; PolyPhen-2: "Benign"; Align-GVGD: "Class C15"). In summary, the available evidence is currently insufficient to determine the role of this variant in disease. Therefore, it has been classified as a Variant of Uncertain Significance.